The following is an entry in ClinVar:

NM_032532.3(FNDC1):c.391+82A>G

Gene: FNDC1 (fibronectin type III domain containing 1; plus strand). Cytogenetic location: 6q25.3.
Variant type: single nucleotide variant.
Coding change: c.391+82A>G on transcript NM_032532.3 (MANE Select); 82 bases into the intron after coding-DNA position 391, A replaced by G.
Molecular consequence: intron variant.
Genome position (GRCh38, 1-based): chr6:159,200,164, A>G. VCF-style: chr6-159200164-A-G. GRCh37 (hg19) VCF-style: chr6-159621196-A-G.
Identifiers: ClinVar variation 4082084 (VCV004082084.1).

ClinVar aggregate classification (germline): Uncertain significance (1 of 4 stars; one submission).

Conditions:
Scoliosis, isolated, susceptibility to, 1 (IS1). Also called: ADOLESCENT ISOLATED SCOLIOSIS. Identifiers: MedGen C2700406, MONDO:0008419, OMIM 181800.

Submission:

Dr. Orhan Ocalgiray Molecular Biology-Biotechnology and Genetics Research Centre (MOBGAM), Istanbul Technical University
Classification: Uncertain significance for Scoliosis, isolated, susceptibility to, 1. Review status: criteria provided, single submitter. Criteria: ACMG Guidelines, 2015. Collection method: research. Allele origin: germline. Affected: yes. Observed: 1 heterozygote.
Comment: FNDC1 gene is reported with 4 missense variants to predispose scoliosis up until now. For this variant (rs1782345521), it is uncertain significange with oligogenic inheritance fashion in this family including POC5 (rs146984380), ESR1 (rs9340799), and HOOK2 (rs897804) variants (all are in heterozygous state).

Literature cited by the submitters: DOI 10.1136/jmg-2024-110586.